The following is an entry in ClinVar:

NM_002471.4(MYH6):c.5119G>C (p.Glu1707Gln)

Genes: MYH6 (myosin heavy chain 6; minus strand), LOC126861896 (BRD4-independent group 4 enhancer GRCh37_chr14:23854904-23856103; plus strand). Cytogenetic location: 14q11.2.
Variant type: single nucleotide variant.
Coding change: c.5119G>C on transcript NM_002471.4 (MANE Select); coding-DNA position 5119, G replaced by C.
Protein change: p.Glu1707Gln; replaces glutamic acid 1707 with glutamine.
Molecular consequence: missense variant.
Genome position (GRCh38, 1-based): chr14:23,385,972, C>G on the plus strand (G>C on the coding strand, the complement: MYH6 is on the minus strand). VCF-style: chr14-23385972-C-G. GRCh37 (hg19) VCF-style: chr14-23855181-C-G.
Other names: short protein forms E1707Q.
Identifiers: ClinVar variation 3661887 (VCV003661887.2).
Genomic context (GRCh38, chr14:23,385,972, plus strand): 5'-CTCCTGACCCCCTCACCTGGGAATGCAGCAGCTGCACCCGCTCGCTGGTCTCAATCAGCT[C>G]CTGCTCCGCCAGCTTCCGGGACCGCTCTGTCTGCTCCACCACGGCACGCAGCTCCTCCAG-3'
Protein context (NP_002462.2, residues 1697-1717): TERSRKLAEQ[Glu1707Gln]LIETSERVQL

ClinVar aggregate classification (germline): Uncertain significance (1 of 4 stars; one submission).

Conditions:
Hypertrophic cardiomyopathy 14. Identifiers: MedGen C2750467, MONDO:0013197, OMIM 613251.

Submission:

Labcorp Genetics (formerly Invitae), Labcorp
Classification: Uncertain significance for Hypertrophic cardiomyopathy 14. Last evaluated: 2024-08-21. Review status: criteria provided, single submitter. Criteria: Invitae Variant Classification Sherloc (09022015). Collection method: clinical testing. Allele origin: germline.
Comment: This sequence change replaces glutamic acid, which is acidic and polar, with glutamine, which is neutral and polar, at codon 1707 of the MYH6 protein (p.Glu1707Gln). This variant is not present in population databases (gnomAD no frequency). This variant has not been reported in the literature in individuals affected with MYH6-related conditions. Invitae Evidence Modeling of protein sequence and biophysical properties (such as structural, functional, and spatial information, amino acid conservation, physicochemical variation, residue mobility, and thermodynamic stability) has been performed for this missense variant. However, the output from this modeling did not meet the statistical confidence thresholds required to predict the impact of this variant on MYH6 protein function. In summary, the available evidence is currently insufficient to determine the role of this variant in disease. Therefore, it has been classified as a Variant of Uncertain Significance.